The following is an entry in ClinVar:

NM_000214.3(JAG1):c.-458C>T

Gene: JAG1 (jagged canonical Notch ligand 1; minus strand). Cytogenetic location: 20p12.2.
Variant type: single nucleotide variant.
Coding change: c.-458C>T on transcript NM_000214.3 (MANE Select); 458 bases upstream of the start codon, C replaced by T.
Molecular consequence: 5 prime UTR variant.
Genome position (GRCh38, 1-based): chr20:10,673,988, G>A on the plus strand (C>T on the coding strand, the complement: JAG1 is on the minus strand). VCF-style: chr20-10673988-G-A. GRCh37 (hg19) VCF-style: chr20-10654636-G-A.
Identifiers: ClinVar variation 897826 (VCV000897826.7), dbSNP rs146416672, ClinGen allele CA311357715.

ClinVar aggregate classification (germline): Benign/Likely benign. Review status: criteria provided, multiple submitters, no conflicts (2 of 4 stars). 2 submissions from 2 submitters: Benign (1); Likely benign (1). Last evaluated 2020-07-23.

Conditions:
Isolated Nonsyndromic Congenital Heart Disease.

Allele frequency attached by ClinVar (database versions not stated): TOPMed 0.00397; 1000 Genomes Project 30x 0.00468; 1000 Genomes Project 0.00479.

Submissions (2):

GeneDx
Classification: Likely benign. Last evaluated: 2020-07-23. Review status: criteria provided, single submitter. Criteria: GeneDx Variant Classification Process June 2021. Collection method: clinical testing. Allele origin: germline. Affected: yes.

Illumina Laboratory Services, Illumina
Classification: Benign for Isolated Nonsyndromic Congenital Heart Disease. Last evaluated: 2018-01-13. Review status: criteria provided, single submitter. Criteria: ICSL Variant Classification Criteria 13 December 2019. Collection method: clinical testing. Allele origin: germline.
Comment: This variant was observed in the ICSL laboratory as part of a predisposition screen in an ostensibly healthy population. It had not been previously curated by ICSL or reported in the Human Gene Mutation Database (HGMD: prior to June 1st, 2018), and was therefore a candidate for classification through an automated scoring system. Utilizing variant allele frequency, disease prevalence and penetrance estimates, and inheritance mode, an automated score was calculated to assess if this variant is too frequent to cause the disease. Based on the score and internal cut-off values, a variant classified as benign is not then subjected to further curation. The score for this variant resulted in a classification of benign for this disease.